The following is an entry in ClinVar:

ClinVar aggregate classification (germline): Pathogenic (1 of 4 stars; one submission).

Submission:

ISCA site 4
Classification: Pathogenic. Last evaluated: 2011-08-12. Review status: criteria provided, single submitter. Criteria: Kaminsky et al. (Genet Med. 2011). Collection method: clinical testing. Allele origin: unknown. Affected: yes. Observed: 1 variant allele.
Comment: Copy number variation identified through the course of routine clinical cytogenomic testing in postnatal populations. Clinical assertions have been curated as described in Kaminsky et al. 2011.

GRCh38/hg38 5p15.33(chr5:49978-4014647)x1

Genes: IRX1 (iroquois homeobox 1; plus strand), IRX2 (iroquois homeobox 2; minus strand), IRX2-DT (IRX2 divergent transcript; plus strand), IRX4 (iroquois homeobox 4; minus strand), IRX4-AS1 (IRX4 antisense RNA 1; plus strand) and 193 more. Cytogenetic location: 5p15.33.
Variant type: copy number loss.
Change: copy number 1 (one copy instead of two) of chr5:49,978-4,014,647 (3.96 Mb, GRCh38 coordinates, 1-based), cytogenetic band 5p15.33.
Identifiers: ClinVar variation 57400 (VCV000057400.1).